The following is an entry in ClinVar:

NM_001844.5(COL2A1):c.1366-1G>A

Gene: COL2A1 (collagen type II alpha 1 chain; minus strand). Cytogenetic location: 12q13.11.
Variant type: single nucleotide variant.
Coding change: c.1366-1G>A on transcript NM_001844.5 (MANE Select); the canonical splice acceptor site of the intron before coding-DNA position 1366, G replaced by A.
Molecular consequence: splice acceptor variant.
Genome position (GRCh38, 1-based): chr12:47,986,889, C>T on the plus strand (G>A on the coding strand, the complement: COL2A1 is on the minus strand). VCF-style: chr12-47986889-C-T. GRCh37 (hg19) VCF-style: chr12-48380672-C-T.
Other names: c.1159-1G>A (NM_033150.3).
Identifiers: ClinVar variation 3027382 (VCV003027382.22), dbSNP rs2136574259, ClinGen allele CA384553460.
Genomic context (GRCh38, chr12:47,986,889, plus strand): 5'-ACTCACAGGTTCTCCCTTGGGGCCTTGTTCACCTTTGAAGCCAGCAATACCAGGTTCACC[C>T]TTGAAAAGAGAGGCAGGTCCTCACACCAGATTCTCTCCAGGGAGCCTGCCCCTCCCCAGA-3'

ClinVar aggregate classification (germline): Pathogenic (1 of 4 stars; one submission).

Submission:

CeGaT Center for Human Genetics Tuebingen
Classification: Pathogenic. Last evaluated: 2024-01-01. Review status: criteria provided, single submitter. Criteria: CeGaT Center For Human Genetics Tuebingen Variant Classification Criteria Version 2. Collection method: clinical testing. Allele origin: germline. Affected: yes. Observed: 1 variant allele.
Comment: COL2A1: PVS1, PM2, PS1:Supporting